The following is an entry in ClinVar:

ClinVar aggregate classification (germline): Likely benign. Review status: criteria provided, multiple submitters, no conflicts (2 of 4 stars). 2 submissions from 2 submitters: Likely benign (2). Last evaluated 2025-03-04.

Conditions:
Nephronophthisis 15 (NPHP15). Identifiers: Orphanet 3156, MedGen C3541853, MONDO:0013917, OMIM 614845.
CEP164-related disorder. Also called: CEP164-related condition.

Allele frequency attached by ClinVar (database versions not stated): ExAC 0.00001; TOPMed 0.00001; gnomAD exomes 0.00002.
gnomAD v4.1: 15 of 1,613,970 alleles (0.00093%); highest among the groups gnomAD compares: South Asian, 0.012%; no homozygotes.

Submissions (2):

PreventionGenetics, part of Exact Sciences
Classification: Likely benign for CEP164-related condition. Last evaluated: 2025-03-04. Review status: criteria provided, single submitter. Criteria: ACMG Guidelines, 2015. Collection method: clinical testing. Allele origin: germline.
Comment: This variant is classified as likely benign based on ACMG/AMP sequence variant interpretation guidelines (Richards et al. 2015 PMID: 25741868, with internal and published modifications).

Labcorp Genetics (formerly Invitae), Labcorp
Classification: Likely benign for Nephronophthisis 15. Last evaluated: 2020-02-24. Review status: criteria provided, single submitter. Criteria: Invitae Variant Classification Sherloc (09022015). Collection method: clinical testing. Allele origin: germline.

NM_014956.5(CEP164):c.4023G>A (p.Gly1341=)

Gene: CEP164 (centrosomal protein 164; plus strand). Cytogenetic location: 11q23.3.
Variant type: single nucleotide variant.
Coding change: c.4023G>A on transcript NM_014956.5 (MANE Select); coding-DNA position 4023, G replaced by A.
Protein change: p.Gly1341=; no amino-acid change (glycine 1341 retained).
Molecular consequence: synonymous variant.
Genome position (GRCh38, 1-based): chr11:117,409,892, G>A. VCF-style: chr11-117409892-G-A. GRCh37 (hg19) VCF-style: chr11-117280608-G-A.
Other names: c.4008G>A, p.Gly1336= (NM_001271933.2); c.4023G>A (NM_014956.4).
Identifiers: ClinVar variation 1150178 (VCV001150178.10), dbSNP rs748085058, ClinGen allele CA6295648.